The following is an entry in ClinVar:

ClinVar aggregate classification (germline): Uncertain significance (1 of 4 stars; one submission).

Conditions:
Leber congenital amaurosis 6 (LCA6). Identifiers: Orphanet 65, MedGen C1854260, MONDO:0013446, OMIM 613826.
Cone-rod dystrophy 13 (CORD13). Identifiers: Orphanet 1872, MedGen C2750720, MONDO:0011987, OMIM 608194.

Allele frequency attached by ClinVar (database versions not stated): gnomAD exomes below 0.00001.
gnomAD v4.1: 1 of 1,613,360 alleles (0.000062%); highest among the groups gnomAD compares: Non-Finnish European, 0.000085%; no homozygotes.

Submission:

Labcorp Genetics (formerly Invitae), Labcorp
Classification: Uncertain significance for Leber congenital amaurosis 6; Cone-rod dystrophy 13. Last evaluated: 2022-05-27. Review status: criteria provided, single submitter. Criteria: Invitae Variant Classification Sherloc (09022015). Collection method: clinical testing. Allele origin: germline.
Comment: This sequence change falls in intron 16 of the RPGRIP1 gene. It does not directly change the encoded amino acid sequence of the RPGRIP1 protein. It affects a nucleotide within the consensus splice site. This variant is not present in population databases (gnomAD no frequency). In summary, the available evidence is currently insufficient to determine the role of this variant in disease. Therefore, it has been classified as a Variant of Uncertain Significance. Variants that disrupt the consensus splice site are a relatively common cause of aberrant splicing (PMID: 17576681, 9536098). Algorithms developed to predict the effect of sequence changes on RNA splicing suggest that this variant is not likely to affect RNA splicing. This variant has not been reported in the literature in individuals affected with RPGRIP1-related conditions.

Literature cited by the submitters: PubMed 17576681; PubMed 9536098.

NM_020366.4(RPGRIP1):c.2711-3C>T

Gene: RPGRIP1 (RPGR interacting protein 1; plus strand). Cytogenetic location: 14q11.2.
Variant type: single nucleotide variant.
Coding change: c.2711-3C>T on transcript NM_020366.4 (MANE Select); 3 bases into the intron before coding-DNA position 2711, C replaced by T.
Molecular consequence: intron variant.
Genome position (GRCh38, 1-based): chr14:21,327,620, C>T. VCF-style: chr14-21327620-C-T. GRCh37 (hg19) VCF-style: chr14-21795779-C-T.
Other names: c.1637-3C>T (NM_001377948.1); c.797-3C>T (NM_001377949.1); c.689-3C>T (NM_001377523.1, NM_001377950.1); c.191-3C>T (NM_001377951.1).
Identifiers: ClinVar variation 2109447 (VCV002109447.4), dbSNP rs2502839006, ClinGen allele CA2580087835.